The following is an entry in ClinVar:

NM_000204.5(CFI):c.608C>T (p.Thr203Ile)

Gene: CFI (complement factor I; minus strand). Cytogenetic location: 4q25.
Variant type: single nucleotide variant.
Coding change: c.608C>T on transcript NM_000204.5 (MANE Select); coding-DNA position 608, C replaced by T.
Protein change: p.Thr203Ile; replaces threonine 203 with isoleucine.
Molecular consequence: missense variant. On other transcripts: 5 prime UTR variant (1), non-coding transcript variant (3).
Genome position (GRCh38, 1-based): chr4:109,761,567, G>A on the plus strand (C>T on the coding strand, the complement: CFI is on the minus strand). VCF-style: chr4-109761567-G-A. GRCh37 (hg19) VCF-style: chr4-110682723-G-A.
Other names: c.608C>T, p.Thr203Ile (NM_001318057.2, NM_001331035.2, NM_001375278.1 and 5 more transcripts); c.-2C>T (NM_001375284.1); short protein forms T203I.
Identifiers: ClinVar variation 347168 (VCV000347168.21), dbSNP rs138346388, ClinGen allele CA3042221.

ClinVar aggregate classification (germline): Conflicting classifications of pathogenicity. Review status: criteria provided, conflicting classifications (1 of 4 stars). 8 submissions from 8 submitters: Uncertain significance (1); Benign (3); Likely benign (4). Last evaluated 2026-03-09.

Conditions:
Atypical hemolytic-uremic syndrome. Identifiers: Orphanet 2134, MedGen C2931788, MONDO:0016244.
CFI-related disorder. Also called: CFI-related disorders; CFI-related condition. Identifiers: MedGen CN239325.
Atypical hemolytic-uremic syndrome with I factor anomaly. Also called: HEMOLYTIC UREMIC SYNDROME, ATYPICAL, SUSCEPTIBILITY TO, 3; AHUS, SUSCEPTIBILITY TO, 3. Identifiers: Orphanet 2134, MedGen C2752039, MONDO:0013041, OMIM 612923.

Allele frequency attached by ClinVar (database versions not stated): gnomAD 0.00015 and 0.00020; TOPMed 0.00019; gnomAD exomes 0.00030 and 0.00050; 1000 Genomes Project 30x 0.00031; 1000 Genomes Project 0.00040; ExAC 0.00052; ESP Exome Variant Server 0.00054.
gnomAD v4.1: 493 of 1,614,076 alleles (0.031%); highest among the groups gnomAD compares: Middle Eastern, 0.2%; 2 homozygotes.

Submissions (8):

PreventionGenetics, part of Exact Sciences
Classification: Likely benign for CFI-related condition. Last evaluated: 2026-03-09. Review status: criteria provided, single submitter. Criteria: ACMG Guidelines, 2015. Collection method: clinical testing. Allele origin: germline.
Comment: This variant is classified as likely benign based on ACMG/AMP sequence variant interpretation guidelines (Richards et al. 2015 PMID: 25741868, with internal and published modifications).

Labcorp Genetics (formerly Invitae), Labcorp
Classification: Likely benign. Last evaluated: 2025-11-12. Review status: criteria provided, single submitter. Criteria: Invitae Variant Classification Sherloc (09022015). Collection method: clinical testing. Allele origin: germline.

Genomenon, Inc
Classification: Benign for CFI-related disorder. Last evaluated: 2025-09-26. Review status: criteria provided, single submitter. Criteria: Genomenon Sequence Variant Interpretation Standards - Updated. Collection method: curation. Allele origin: germline. Affected: yes.
Comment: CFI p.Thr203Ile (c.608C>T) is a missense variant that changes the amino acid at residue 203 from Threonine to Isoleucine. This variant has been observed in at least one proband affected with a CFI-related disorder (PMID:38374836;31791575;33841858;28056875;32510551). Well-established functional studies show no damaging effect of this variant on protein function, supporting a benign classification (PMID:38852887). This variant’s allele frequency in gnomAD is greater than expected for this disorder. In silico models agree that this variant is not damaging. In conclusion, we classify CFI p.Thr203Ile (c.608C>T) as a benign variant.

Blueprint Genetics
Classification: Likely benign. Last evaluated: 2024-11-17. Review status: criteria provided, single submitter. Criteria: ACMG Guidelines, 2015. Collection method: clinical testing. Allele origin: germline.

Mendelics
Classification: Uncertain significance. Last evaluated: 2022-05-04. Review status: criteria provided, single submitter. Criteria: Mendelics Assertion Criteria 2019. Collection method: clinical testing. Allele origin: germline.

Genome Diagnostics Laboratory, The Hospital for Sick Children
Classification: Benign for Atypical hemolytic-uremic syndrome. Last evaluated: 2020-05-01. Review status: criteria provided, single submitter. Criteria: ACMG Guidelines, 2015. Collection method: clinical testing. Allele origin: germline.

Genetic Services Laboratory, University of Chicago
Classification: Likely benign. Last evaluated: 2018-04-05. Review status: criteria provided, single submitter. Criteria: ACMG Guidelines, 2015. Collection method: clinical testing. Allele origin: germline. Affected: no.

Illumina Laboratory Services, Illumina
Classification: Benign for Atypical hemolytic-uremic syndrome with I factor anomaly. Last evaluated: 2018-01-12. Review status: criteria provided, single submitter. Criteria: ICSL Variant Classification Criteria 13 December 2019. Collection method: clinical testing. Allele origin: germline.
Comment: This variant was observed in the ICSL laboratory as part of a predisposition screen in an ostensibly healthy population. It had not been previously curated by ICSL or reported in the Human Gene Mutation Database (HGMD: prior to June 1st, 2018), and was therefore a candidate for classification through an automated scoring system. Utilizing variant allele frequency, disease prevalence and penetrance estimates, and inheritance mode, an automated score was calculated to assess if this variant is too frequent to cause the disease. Based on the score and internal cut-off values, a variant classified as benign is not then subjected to further curation. The score for this variant resulted in a classification of benign for this disease.

Literature cited by the submitters: PubMed 38374836 (cited by Genomenon, Inc); 31791575 (cited by Genomenon, Inc); 33841858 (cited by Genomenon, Inc); 28056875 (cited by Genomenon, Inc); 32510551 (cited by Genomenon, Inc); 38852887 (cited by Genomenon, Inc).